The following is an entry in ClinVar:

NM_001367624.2(ZNF469):c.9019G>A (p.Asp3007Asn)

Gene: ZNF469 (zinc finger protein 469; plus strand). Cytogenetic location: 16q24.2.
Variant type: single nucleotide variant.
Coding change: c.9019G>A on transcript NM_001367624.2 (MANE Select); coding-DNA position 9019, G replaced by A.
Protein change: p.Asp3007Asn; replaces aspartic acid 3007 with asparagine.
Molecular consequence: missense variant.
Genome position (GRCh38, 1-based): chr16:88,436,489, G>A. VCF-style: chr16-88436489-G-A. GRCh37 (hg19) VCF-style: chr16-88502897-G-A.
Other names: NM_001127464.1:c.8935G>A; p.Asp3007Asn; short protein forms D3007N.
Identifiers: ClinVar variation 1388989 (VCV001388989.13), dbSNP rs886881362, ClinGen allele CA286384925.

ClinVar aggregate classification (germline): Uncertain significance. Review status: criteria provided, multiple submitters, no conflicts (2 of 4 stars). 5 submissions from 5 submitters: Uncertain significance (5). Last evaluated 2026-01-17.

Conditions:
Brittle cornea syndrome 1 (BCS1). Also called: DYSGENESIS MESODERMALIS CORNEAE ET SCLERAE; Corneal fragility keratoglobus, blue sclerae AND joint hypermobility; CORNEAL FRAGILITY, KERATOGLOBUS, BLUE SCLERAE, JOINT HYPEREXTENSIBILITY; EDS6B; FRAGILITAS OCULI WITH JOINT HYPEREXTENSIBILITY. Identifiers: Orphanet 90354, MedGen C0268344, MONDO:0024543, OMIM 229200.
Cardiovascular phenotype. Identifiers: MedGen CN230736.

Allele frequency attached by ClinVar (database versions not stated): gnomAD exomes 0.00001; gnomAD 0.00002.
gnomAD v4.1: 62 of 1,547,558 alleles (0.004%); highest among the groups gnomAD compares: Non-Finnish European, 0.0051%; no homozygotes.

Submissions (5):

Labcorp Genetics (formerly Invitae), Labcorp
Classification: Uncertain significance. Last evaluated: 2026-01-17. Review status: criteria provided, single submitter. Criteria: Invitae Variant Classification Sherloc (09022015). Collection method: clinical testing. Allele origin: germline.
Comment: This sequence change replaces aspartic acid, which is acidic and polar, with asparagine, which is neutral and polar, at codon 2979 of the ZNF469 protein (p.Asp2979Asn). The frequency data for this variant in the population databases is considered unreliable, as metrics indicate poor data quality at this position in the gnomAD database. This variant has not been reported in the literature in individuals affected with ZNF469-related conditions. ClinVar contains an entry for this variant (Variation ID: 1388989). An algorithm developed to predict the effect of missense changes on protein structure and function outputs the following: PolyPhen-2: "Benign". The asparagine amino acid residue is found in multiple mammalian species, which suggests that this missense change does not adversely affect protein function. In summary, the available evidence is currently insufficient to determine the role of this variant in disease. Therefore, it has been classified as a Variant of Uncertain Significance.

Women's Health and Genetics/Laboratory Corporation of America, LabCorp
Classification: Uncertain significance. Last evaluated: 2025-05-28. Review status: criteria provided, single submitter. Criteria: LabCorp Variant Classification Summary - May 2015. Collection method: clinical testing. Allele origin: germline.
Comment: Variant summary: ZNF469 c.9019G>A (p.Asp3007Asn) results in a conservative amino acid change in the encoded protein sequence. Algorithms developed to predict the effect of missense changes on protein structure and function all suggest that this variant is likely to be tolerated. The variant allele was found at a frequency of 1.3e-05 in 149204 control chromosomes. The available data on variant occurrences in the general population are insufficient to allow any conclusion about variant significance. To our knowledge, no occurrence of c.9019G>A in individuals affected with Brittle cornea syndrome 1 and no experimental evidence demonstrating its impact on protein function have been reported. ClinVar contains an entry for this variant (Variation ID: 1388989). Based on the evidence outlined above, the variant was classified as uncertain significance.

Ambry Genetics
Classification: Uncertain significance for Cardiovascular phenotype. Last evaluated: 2025-04-07. Review status: criteria provided, single submitter. Criteria: Ambry Variant Classification Scheme 2023. Collection method: clinical testing. Allele origin: germline.
Comment: The p.D2979N variant (also known as c.8935G>A), located in coding exon 2 of the ZNF469 gene, results from a G to A substitution at nucleotide position 8935. The aspartic acid at codon 2979 is replaced by asparagine, an amino acid with highly similar properties. This amino acid position is conserved. In addition, this alteration is predicted to be tolerated by in silico analysis. Since supporting evidence is limited at this time, the clinical significance of this alteration remains unclear.

Revvity Omics, Revvity
Classification: Uncertain significance for Brittle cornea syndrome 1. Last evaluated: 2024-01-18. Review status: criteria provided, single submitter. Criteria: ACMG Guidelines, 2015. Collection method: clinical testing. Allele origin: germline.

Mayo Clinic Laboratories, Mayo Clinic
Classification: Uncertain significance. Last evaluated: 2023-05-05. Review status: criteria provided, single submitter. Criteria: ACMG Guidelines, 2015. Collection method: clinical testing. Allele origin: germline. Observed: 1 variant allele.
Comment: BP4